The following is an entry in ClinVar:

NM_000053.4(ATP7B):c.1187A>G (p.Glu396Gly)

Gene: ATP7B (ATPase copper transporting beta; minus strand). Cytogenetic location: 13q14.3.
Variant type: single nucleotide variant.
Coding change: c.1187A>G on transcript NM_000053.4 (MANE Select); coding-DNA position 1187, A replaced by G.
Protein change: p.Glu396Gly; replaces glutamic acid 396 with glycine.
Molecular consequence: missense variant.
Genome position (GRCh38, 1-based): chr13:51,974,033, T>C on the plus strand (A>G on the coding strand, the complement: ATP7B is on the minus strand). VCF-style: chr13-51974033-T-C. GRCh37 (hg19) VCF-style: chr13-52548169-T-C.
Other names: c.1187A>G, p.Glu396Gly (NM_001005918.3, NM_001330578.2, NM_001330579.2); c.854A>G, p.Glu285Gly (NM_001243182.2); short protein forms E285G, E396G.
Identifiers: ClinVar variation 1310661 (VCV001310661.6), dbSNP rs752745159, ClinGen allele CA6989419.

ClinVar aggregate classification (germline): Uncertain significance. Review status: criteria provided, multiple submitters, no conflicts (2 of 4 stars). 4 submissions from 4 submitters: Uncertain significance (4). Last evaluated 2025-06-05.

Conditions:
Wilson disease (WND). Also called: Wilson's disease. Identifiers: Orphanet 905, MedGen C0019202, MONDO:0010200, OMIM 277900. Disease mechanism: loss of function.

Allele frequency attached by ClinVar (database versions not stated): ExAC 0.00001; gnomAD 0.00001; TOPMed 0.00001; gnomAD exomes 0.00002.
gnomAD v4.1: 19 of 1,614,148 alleles (0.0012%); highest among the groups gnomAD compares: Non-Finnish European, 0.0015%; no homozygotes.

Submissions (4):

Color Diagnostics, LLC DBA Color Health
Classification: Uncertain significance for Wilson disease. Last evaluated: 2025-06-05. Review status: criteria provided, single submitter. Criteria: ACMG Guidelines, 2015. Collection method: clinical testing. Allele origin: germline.
Comment: This missense variant replaces glutamic acid with glycine at codon 396 of the ATP7B protein. Computational prediction suggests that this variant may not impact protein structure and function. To our knowledge, functional studies have not been reported for this variant. This variant has not been reported in individuals affected with ATP7B-related disorders in the literature. This variant has been identified in 5/249556 chromosomes in the general population by the Genome Aggregation Database (gnomAD). The available evidence is insufficient to determine the role of this variant in disease conclusively. Therefore, this variant is classified as a Variant of Uncertain Significance.

All of Us Research Program, National Institutes of Health
Classification: Uncertain significance for Wilson disease. Last evaluated: 2023-12-13. Review status: criteria provided, single submitter. Criteria: ACMG Guidelines, 2015. Collection method: clinical testing. Allele origin: germline. Inheritance: Autosomal recessive inheritance. Observed: 11 variant alleles, 11 heterozygotes.
Comment: This missense variant replaces glutamic acid with glycine at codon 396 of the ATP7B protein. Computational prediction suggests that this variant may not impact protein structure and function (internally defined REVEL score threshold <= 0.5, PMID: 27666373). To our knowledge, functional studies have not been reported for this variant. This variant has not been reported in individuals affected with ATP7B-related disorders in the literature. This variant has been identified in 5/249556 chromosomes in the general population by the Genome Aggregation Database (gnomAD). The available evidence is insufficient to determine the role of this variant in disease conclusively. Therefore, this variant is classified as a Variant of Uncertain Significance.

This study involves interpretation of variants in research participants for the purpose of population health screening. Participant phenotype was not available at the time of variant classification. Additional details can be found in publication PMID: 35346344, PMCID: PMC8962531

Labcorp Genetics (formerly Invitae), Labcorp
Classification: Uncertain significance for Wilson disease. Last evaluated: 2022-07-12. Review status: criteria provided, single submitter. Criteria: Invitae Variant Classification Sherloc (09022015). Collection method: clinical testing. Allele origin: germline.
Comment: This sequence change replaces glutamic acid, which is acidic and polar, with glycine, which is neutral and non-polar, at codon 396 of the ATP7B protein (p.Glu396Gly). This variant is present in population databases (rs752745159, gnomAD 0.004%). This variant has not been reported in the literature in individuals affected with ATP7B-related conditions. ClinVar contains an entry for this variant (Variation ID: 1310661). Advanced modeling of protein sequence and biophysical properties (such as structural, functional, and spatial information, amino acid conservation, physicochemical variation, residue mobility, and thermodynamic stability) performed at Invitae indicates that this missense variant is not expected to disrupt ATP7B protein function. In summary, the available evidence is currently insufficient to determine the role of this variant in disease. Therefore, it has been classified as a Variant of Uncertain Significance.

GeneDx
Classification: Uncertain significance. Last evaluated: 2019-11-30. Review status: criteria provided, single submitter. Criteria: GeneDx Variant Classification Process June 2021. Collection method: clinical testing. Allele origin: germline. Affected: yes.
Comment: Not observed at a significant frequency in large population cohorts (Lek et al., 2016); In silico analysis, which includes protein predictors and evolutionary conservation, supports a deleterious effect; Has not been previously published as pathogenic or benign to our knowledge